The following is an entry in ClinVar:

ClinVar aggregate classification (germline): Likely benign. Review status: criteria provided, multiple submitters, no conflicts (2 of 4 stars). 7 submissions from 7 submitters: Likely benign (6). 1 of the submissions does not count toward it. Last evaluated 2026-09-01.

Conditions:
SLITRK6-related disorder. Also called: SLITRK6-related condition.

Allele frequency attached by ClinVar (database versions not stated): gnomAD exomes 0.00030 and 0.00041; gnomAD 0.00036 and 0.00037; ExAC 0.00049; ESP Exome Variant Server 0.00057; 1000 Genomes Project 0.00060; TOPMed 0.00061; 1000 Genomes Project 30x 0.00062.

Submissions (7):

CeGaT Center for Human Genetics Tuebingen
Classification: Likely benign. Last evaluated: 2026-09-01. Review status: criteria provided, single submitter. Criteria: CeGaT Center For Human Genetics Tuebingen Variant Classification Criteria Version 2. Collection method: clinical testing. Allele origin: germline. Affected: yes. Observed: 3 variant alleles.
Comment: SLITRK6: BP4, BP7

Labcorp Genetics (formerly Invitae), Labcorp
Classification: Likely benign. Last evaluated: 2025-12-10. Review status: criteria provided, single submitter. Criteria: Invitae Variant Classification Sherloc (09022015). Collection method: clinical testing. Allele origin: germline.

Blueprint Genetics
Classification: Likely benign. Last evaluated: 2024-11-25. Review status: criteria provided, single submitter. Criteria: ACMG Guidelines, 2015. Collection method: clinical testing. Allele origin: germline.

GeneDx
Classification: Likely benign. Last evaluated: 2017-09-15. Review status: criteria provided, single submitter. Criteria: GeneDx Variant Classification (06012015). Collection method: clinical testing. Allele origin: germline. Affected: yes.
Comment: This variant is considered likely benign or benign based on one or more of the following criteria: it is a conservative change, it occurs at a poorly conserved position in the protein, it is predicted to be benign by multiple in silico algorithms, and/or has population frequency not consistent with disease.

Laboratory for Molecular Medicine, Mass General Brigham Personalized Medicine
Classification: Likely benign. Last evaluated: 2017-08-23. Review status: criteria provided, single submitter. Criteria: LMM Criteria. Collection method: clinical testing. Allele origin: germline. Observed: 1 variant allele.
Comment: p.Thr301Thr in exon 2 of SLITRK6: This variant is not expected to have clinical significance because it does not alter an amino acid residue and is not located within the splice consensus sequence. It has been identified in 0.06% (42/66550) of European chromosomes by the Exome Aggregation Consortium (ExAC; dbSNP rs145725721).

Breakthrough Genomics
Classification: Likely benign. Review status: criteria provided, single submitter. Criteria: ACMG Guidelines, 2015. Collection method: not provided. Allele origin: germline. Inheritance: Autosomal recessive inheritance. Affected: yes.

PreventionGenetics, part of Exact Sciences
Classification: Likely benign for SLITRK6-related condition. Last evaluated: 2019-05-17. Review status: no assertion criteria provided. Collection method: clinical testing. Allele origin: germline. Not counted in ClinVar's aggregate classification.
Comment: This variant is classified as likely benign based on ACMG/AMP sequence variant interpretation guidelines (Richards et al. 2015 PMID: 25741868, with internal and published modifications).

NM_032229.3(SLITRK6):c.903G>A (p.Thr301=)

Gene: SLITRK6 (SLIT and NTRK like family member 6; minus strand). Cytogenetic location: 13q31.1.
Variant type: single nucleotide variant.
Coding change: c.903G>A on transcript NM_032229.3 (MANE Select); coding-DNA position 903, G replaced by A.
Protein change: p.Thr301=; no amino-acid change (threonine 301 retained).
Molecular consequence: synonymous variant.
Genome position (GRCh38, 1-based): chr13:85,795,606, C>T on the plus strand (G>A on the coding strand, the complement: SLITRK6 is on the minus strand). VCF-style: chr13-85795606-C-T. GRCh37 (hg19) VCF-style: chr13-86369741-C-T.
Identifiers: ClinVar variation 512222 (VCV000512222.21), dbSNP rs145725721, ClinGen allele CA7015204.